The following is an entry in ClinVar:

ClinVar aggregate classification (germline): Uncertain significance (1 of 4 stars; one submission).

Conditions:
Hereditary cancer-predisposing syndrome. Also called: Tumor predisposition; Neoplastic Syndromes, Hereditary; Hereditary neoplastic syndrome; Hereditary Cancer Syndrome. Identifiers: Orphanet 140162, MedGen C0027672, MeSH D009386, MONDO:0015356.

Submission:

Ambry Genetics
Classification: Uncertain significance for Hereditary cancer-predisposing syndrome. Last evaluated: 2024-07-18. Review status: criteria provided, single submitter. Criteria: Ambry Variant Classification Scheme 2023. Collection method: clinical testing. Allele origin: germline.
Comment: The p.G571R variant (also known as c.1711G>C), located in coding exon 5 of the AXIN2 gene, results from a G to C substitution at nucleotide position 1711. The glycine at codon 571 is replaced by arginine, an amino acid with dissimilar properties. This amino acid position is conserved. In addition, this alteration is predicted to be tolerated by in silico analysis. Based on the available evidence, the clinical significance of this variant remains unclear.

NM_004655.4(AXIN2):c.1711G>C (p.Gly571Arg)

Gene: AXIN2 (axin 2; minus strand). Cytogenetic location: 17q24.1.
Variant type: single nucleotide variant.
Coding change: c.1711G>C on transcript NM_004655.4 (MANE Select); coding-DNA position 1711, G replaced by C.
Protein change: p.Gly571Arg; replaces glycine 571 with arginine.
Molecular consequence: missense variant.
Genome position (GRCh38, 1-based): chr17:65,537,325, C>G on the plus strand (G>C on the coding strand, the complement: AXIN2 is on the minus strand). VCF-style: chr17-65537325-C-G. GRCh37 (hg19) VCF-style: chr17-63533443-C-G.
Other names: c.1711G>C, p.Gly571Arg (NM_001363813.1); short protein forms G571R.
Identifiers: ClinVar variation 3470075 (VCV003470075.1).
Genomic context (GRCh38, chr17:65,537,325, plus strand): 5'-CATGGACCTGGCTGGGAGACAAGCCCCACACGGGACACTGCGGTCCGCCCGGCACTTACC[C>G]AAACTGCTCGCTGGGCATGGTTTCCGGAGCCTTGGAGTGGCTTTTGCATTTCGAGTAGCA-3'
Protein context (NP_004646.3, residues 561-581): APETMPSEQF[Gly571Arg]GSRGSTLPKR